The following is an entry in ClinVar:

NM_007348.4(ATF6):c.137T>C (p.Leu46Ser)

Gene: ATF6 (activating transcription factor 6; plus strand). Cytogenetic location: 1q23.3.
Variant type: single nucleotide variant.
Coding change: c.137T>C on transcript NM_007348.4 (MANE Select); coding-DNA position 137, T replaced by C.
Protein change: p.Leu46Ser; replaces leucine 46 with serine.
Molecular consequence: missense variant.
Genome position (GRCh38, 1-based): chr1:161,778,298, T>C. VCF-style: chr1-161778298-T-C. GRCh37 (hg19) VCF-style: chr1-161748088-T-C.
Other names: c.137T>C, p.Leu46Ser (NM_001410890.1); c.137T>C (NM_007348.3); short protein forms L46S.
Identifiers: ClinVar variation 1939125 (VCV001939125.4), dbSNP rs777112322, ClinGen allele CA1214101.

ClinVar aggregate classification (germline): Uncertain significance. Review status: criteria provided, multiple submitters, no conflicts (2 of 4 stars). 2 submissions from 2 submitters: Uncertain significance (2). Last evaluated 2023-02-23.

Conditions:
Inborn genetic diseases. Identifiers: MedGen C0950123, MeSH D030342.

Allele frequency attached by ClinVar (database versions not stated): gnomAD 0.00001; gnomAD exomes 0.00002; TOPMed 0.00003; ExAC 0.00004.
gnomAD v4.1: 38 of 1,613,442 alleles (0.0024%); highest among the groups gnomAD compares: Non-Finnish European, 0.00025%; no homozygotes.

Submissions (2):

Ambry Genetics
Classification: Uncertain significance for Inborn genetic diseases. Last evaluated: 2023-02-23. Review status: criteria provided, single submitter. Criteria: Ambry Variant Classification Scheme 2023. Collection method: clinical testing. Allele origin: germline.

Labcorp Genetics (formerly Invitae), Labcorp
Classification: Uncertain significance. Last evaluated: 2022-04-19. Review status: criteria provided, single submitter. Criteria: Invitae Variant Classification Sherloc (09022015). Collection method: clinical testing. Allele origin: germline.
Comment: This sequence change replaces leucine, which is neutral and non-polar, with serine, which is neutral and polar, at codon 46 of the ATF6 protein (p.Leu46Ser). This variant is present in population databases (rs777112322, gnomAD 0.1%). This variant has not been reported in the literature in individuals affected with ATF6-related conditions. Algorithms developed to predict the effect of missense changes on protein structure and function are either unavailable or do not agree on the potential impact of this missense change (SIFT: "Deleterious"; PolyPhen-2: "Benign"; Align-GVGD: "Class C0"). In summary, the available evidence is currently insufficient to determine the role of this variant in disease. Therefore, it has been classified as a Variant of Uncertain Significance.